The following is an entry in ClinVar:

ClinVar aggregate classification (germline): Uncertain significance (1 of 4 stars; one submission).

Conditions:
Inborn genetic diseases. Identifiers: MedGen C0950123, MeSH D030342.

Allele frequency attached by ClinVar (database versions not stated): gnomAD exomes below 0.00001.
gnomAD v4.1: 6 of 1,614,132 alleles (0.00037%); highest among the groups gnomAD compares: Non-Finnish European, 0.00051%; no homozygotes.

Submission:

Ambry Genetics
Classification: Uncertain significance for Inborn genetic diseases. Last evaluated: 2022-11-21. Review status: criteria provided, single submitter. Criteria: Ambry Variant Classification Scheme 2023. Collection method: clinical testing. Allele origin: germline.
Comment: The c.2221G>A (p.E741K) alteration is located in exon 15 (coding exon 15) of the SOX5 gene. This alteration results from a G to A substitution at nucleotide position 2221, causing the glutamic acid (E) at amino acid position 741 to be replaced by a lysine (K). Based on data from gnomAD, the A allele has an overall frequency of <0.001% (1/251402) total alleles studied. The highest observed frequency was 0.001% (1/113698) of European (non-Finnish) alleles. This alteration is predicted to be tolerated by in silico analysis. Based on insufficient or conflicting evidence, the clinical significance of this alteration remains unclear.

NM_006940.6(SOX5):c.2221G>A (p.Glu741Lys)

Gene: SOX5 (SRY-box transcription factor 5; minus strand). Cytogenetic location: 12p12.1.
Variant type: single nucleotide variant.
Coding change: c.2221G>A on transcript NM_006940.6 (MANE Select); coding-DNA position 2221, G replaced by A.
Protein change: p.Glu741Lys; replaces glutamic acid 741 with lysine.
Molecular consequence: missense variant.
Genome position (GRCh38, 1-based): chr12:23,534,290, C>T on the plus strand (G>A on the coding strand, the complement: SOX5 is on the minus strand). VCF-style: chr12-23534290-C-T. GRCh37 (hg19) VCF-style: chr12-23687224-C-T.
Other names: c.1858G>A, p.Glu620Lys (NM_001261414.3); c.2191G>A, p.Glu731Lys (NM_001261415.3); c.2116G>A, p.Glu706Lys (NM_001330785.2); c.2182G>A, p.Glu728Lys (NM_152989.5); c.1063G>A, p.Glu355Lys (NM_178010.4); short protein forms E355K, E620K, E741K, E706K, E728K, E731K.
Identifiers: ClinVar variation 2329087 (VCV002329087.2), dbSNP rs1244483195, ClinGen allele CA384318633.
Genomic context (GRCh38, chr12:23,534,290, plus strand): 5'-GTCCTGCAATATGGTTTTCACTGTCACTCCCATAATCTACATCTGGATCATCCTCTTCCT[C>T]GTCGTACTCATCATAAATTTCTCCATTGATGTCCTCGGCCTGTATCTCTTCTTTGATATG-3'
Protein context (NP_008871.3, residues 731-751): INGEIYDEYD[Glu741Lys]EEDDPDVDYG